The following is an entry in ClinVar:

NM_001243133.2(NLRP3):c.1562T>C (p.Met521Thr)

Gene: NLRP3 (NLR family pyrin domain containing 3; plus strand). Cytogenetic location: 1q44.
Variant type: single nucleotide variant.
Coding change: c.1562T>C on transcript NM_001243133.2 (MANE Select); coding-DNA position 1562, T replaced by C.
Protein change: p.Met521Thr; replaces methionine 521 with threonine.
Molecular consequence: missense variant.
Genome position (GRCh38, 1-based): chr1:247,425,011, T>C. VCF-style: chr1-247425011-T-C. GRCh37 (hg19) VCF-style: chr1-247588313-T-C.
Other names: c.1562T>C, p.Met521Thr (NM_001079821.3, NM_001127461.3, NM_001127462.3 and 1 more transcripts); c.1568T>C, p.Met523Thr (NM_004895.5); short protein forms M521T, M523T.
Identifiers: ClinVar variation 4800144 (VCV004800144.1).

ClinVar aggregate classification (germline): Uncertain significance (1 of 4 stars; one submission).

Conditions:
Cryopyrin associated periodic syndrome (CAPS). Identifiers: Orphanet 208650, MedGen C2316212, MONDO:0016168.

Submission:

Labcorp Genetics (formerly Invitae), Labcorp
Classification: Uncertain significance for Cryopyrin associated periodic syndrome. Last evaluated: 2026-01-20. Review status: criteria provided, single submitter. Criteria: Invitae Variant Classification Sherloc (09022015). Collection method: clinical testing. Allele origin: germline.
Comment: This sequence change replaces methionine, which is neutral and non-polar, with threonine, which is neutral and polar, at codon 523 of the NLRP3 protein (p.Met523Thr). This variant is not present in population databases (gnomAD no frequency). This variant has not been reported in the literature in individuals affected with NLRP3-related conditions. Invitae Evidence Modeling of protein sequence and biophysical properties (such as structural, functional, and spatial information, amino acid conservation, physicochemical variation, residue mobility, and thermodynamic stability) has been performed for this missense variant. However, the output from this modeling did not meet the statistical confidence thresholds required to predict the impact of this variant on NLRP3 protein function. In summary, the available evidence is currently insufficient to determine the role of this variant in disease. Therefore, it has been classified as a Variant of Uncertain Significance.